The following is an entry in ClinVar:

NM_001267550.2(TTN):c.68282C>T (p.Ser22761Phe)

Genes: TTN (titin; minus strand), TTN-AS1 (TTN antisense RNA 1; plus strand), LOC126806423 (CDK7 strongly-dependent group 2 enhancer GRCh37_chr2:179443309-179444508; plus strand). Cytogenetic location: 2q31.2.
Variant type: single nucleotide variant.
Coding change: c.68282C>T on transcript NM_001267550.2 (MANE Select); coding-DNA position 68282, C replaced by T.
Protein change: p.Ser22761Phe; replaces serine 22761 with phenylalanine.
Molecular consequence: missense variant.
Genome position (GRCh38, 1-based): chr2:178,578,658, G>A on the plus strand (C>T on the coding strand, the complement: TTN is on the minus strand). VCF-style: chr2-178578658-G-A. GRCh37 (hg19) VCF-style: chr2-179443385-G-A.
Other names: c.60578C>T, p.Ser20193Phe (NM_133378.4); c.63359C>T, p.Ser21120Phe (NM_001256850.1); c.41087C>T, p.Ser13696Phe (NM_003319.4); c.41462C>T, p.Ser13821Phe (NM_133432.3); c.41663C>T, p.Ser13888Phe (NM_133437.4); short protein forms S22761F, S20193F, S13821F, S21120F, S13696F, S13888F.
Identifiers: ClinVar variation 47266 (VCV000047266.6), dbSNP rs397517676, ClinGen allele CA140511.

ClinVar aggregate classification (germline): Uncertain significance. Review status: criteria provided, multiple submitters, no conflicts (2 of 4 stars). 2 submissions from 2 submitters: Uncertain significance (2). Last evaluated 2025-11-05.

Conditions:
TTN-related disorder. Also called: TTN-related condition; TTN-related disease; TTN-related disorders.

Allele frequency attached by ClinVar (database versions not stated): gnomAD 0.00001; TOPMed 0.00001.

Submissions (2):

PreventionGenetics, part of Exact Sciences
Classification: Uncertain significance for TTN-related condition. Last evaluated: 2025-11-05. Review status: criteria provided, single submitter. Criteria: ACMG Guidelines, 2015. Collection method: clinical testing. Allele origin: germline.
Comment: The TTN c.68282C>T variant is predicted to result in the amino acid substitution p.Ser22761Phe. To our knowledge, this variant has not been reported in the literature or in a large population database (gnomAD), indicating this variant is rare. At this time, the clinical significance of this variant is uncertain due to the absence of conclusive functional and genetic evidence.

Laboratory for Molecular Medicine, Mass General Brigham Personalized Medicine
Classification: Uncertain significance. Last evaluated: 2013-03-11. Review status: criteria provided, single submitter. Criteria: LMM Criteria. Collection method: clinical testing. Allele origin: germline. Observed: 1 variant allele.
Comment: This varia nt has also not been identified in large European American and African American populations by the NHLBI Exome Sequencing Project (EVS), though it may be present in other populations. Serine (Ser) at position 20 193 is not conserved in mammals, suggesting that a change at this position may b e tolerated. Additional computational analyses (biochemical amino acid propertie s, AlignGVGD, PolyPhen2, and SIFT) do not provide strong support for or against an impact to the protein. In summary, additional information is needed to fully assess the clinical significance of the Ser20193Phe variant.